The following is an entry in ClinVar:

NM_005529.7(HSPG2):c.8312A>G (p.His2771Arg)

Gene: HSPG2 (heparan sulfate proteoglycan 2; minus strand). Cytogenetic location: 1p36.12.
Variant type: single nucleotide variant.
Coding change: c.8312A>G on transcript NM_005529.7 (MANE Select); coding-DNA position 8312, A replaced by G.
Protein change: p.His2771Arg; replaces histidine 2771 with arginine.
Molecular consequence: missense variant.
Genome position (GRCh38, 1-based): chr1:21,846,452, T>C on the plus strand (A>G on the coding strand, the complement: HSPG2 is on the minus strand). VCF-style: chr1-21846452-T-C. GRCh37 (hg19) VCF-style: chr1-22172945-T-C.
Other names: c.8315A>G, p.His2772Arg (NM_001291860.2); c.8312A>G (NM_005529.5); short protein forms H2771R, H2772R.
Identifiers: ClinVar variation 1497975 (VCV001497975.9), dbSNP rs1486062688, ClinGen allele CA338918987.

ClinVar aggregate classification (germline): Uncertain significance. Review status: criteria provided, multiple submitters, no conflicts (2 of 4 stars). 2 submissions from 2 submitters: Uncertain significance (2). Last evaluated 2025-11-24.

Conditions:
Inborn genetic diseases. Identifiers: MedGen C0950123, MeSH D030342.

Allele frequency attached by ClinVar (database versions not stated): gnomAD exomes below 0.00001; TOPMed below 0.00001; gnomAD 0.00001.
gnomAD v4.1: 2 of 1,613,374 alleles (0.00012%); highest among the groups gnomAD compares: Non-Finnish European, 0.00017%; no homozygotes.

Submissions (2):

Ambry Genetics
Classification: Uncertain significance for Inborn genetic diseases. Last evaluated: 2025-11-24. Review status: criteria provided, single submitter. Criteria: Ambry Variant Classification Scheme 2023. Collection method: clinical testing. Allele origin: germline.

Labcorp Genetics (formerly Invitae), Labcorp
Classification: Uncertain significance. Last evaluated: 2020-12-12. Review status: criteria provided, single submitter. Criteria: Invitae Variant Classification Sherloc (09022015). Collection method: clinical testing. Allele origin: germline.
Comment: This sequence change replaces histidine with arginine at codon 2771 of the HSPG2 protein (p.His2771Arg). The histidine residue is moderately conserved and there is a small physicochemical difference between histidine and arginine. This variant is not present in population databases (ExAC no frequency). In summary, the available evidence is currently insufficient to determine the role of this variant in disease. Therefore, it has been classified as a Variant of Uncertain Significance. Algorithms developed to predict the effect of missense changes on protein structure and function are either unavailable or do not agree on the potential impact of this missense change (SIFT: "Tolerated"; PolyPhen-2: "Possibly Damaging"; Align-GVGD: "Class C0"). This variant has not been reported in the literature in individuals with HSPG2-related conditions.